The following is an entry in ClinVar:

ClinVar aggregate classification (germline): Uncertain significance (1 of 4 stars; one submission).

Conditions:
Long QT syndrome (LQTS). Identifiers: MedGen C0023976, MeSH D008133, MONDO:0002442. Disease mechanism: loss of function. Inheritance: Various modes of inheritance.

Submission:

All of Us Research Program, National Institutes of Health
Classification: Uncertain significance for Long QT syndrome. Last evaluated: 2023-12-18. Review status: criteria provided, single submitter. Criteria: ACMG Guidelines, 2015. Collection method: clinical testing. Allele origin: germline. Inheritance: Autosomal dominant inheritance. Observed: 1 variant allele, 1 heterozygote.
Comment: This variant causes an in-frame deletion of four amino acids at exon 8 of the KCNQ1 gene. This variant is found within a highly conserved region in C-terminal cytoplasmic domain (a.a.349-391). Rare non-truncating variants in this region have been shown to be significantly overrepresented in individuals with long QT syndrome (PMID: 32893267). To our knowledge, functional studies have not been reported for this variant. This variant has not been reported in individuals affected with KCNQ1-related disorders in the literature. This variant has not been identified in the general population by the Genome Aggregation Database (gnomAD). The available evidence is insufficient to determine the role of this variant in disease conclusively. Therefore, this variant is classified as a Variant of Uncertain Significance.

This study involves interpretation of variants in research participants for the purpose of population health screening. Participant phenotype was not available at the time of variant classification. Additional details can be found in publication PMID: 35346344, PMCID: PMC8962531

Literature cited by the submitters: PubMed 32893267.

NM_000218.3(KCNQ1):c.1067_1078del (p.Gln356_Gln359del)

Gene: KCNQ1 (potassium voltage-gated channel subfamily Q member 1; plus strand). Cytogenetic location: 11p15.5.
Variant type: Deletion.
Coding change: c.1067_1078del on transcript NM_000218.3 (MANE Select); coding-DNA positions 1067 to 1078, 12 bases deleted (AGCAGAAGCAGA).
Protein change: p.Gln356_Gln359del.
Molecular consequence: inframe deletion. On other transcripts: intron variant (2).
Genome position (GRCh38, 1-based): chr11:2,585,246-2,585,257, AGCAGAAGCAGA deleted. VCF-style (leftmost placement, unchanged base first): chr11-2585245-CAGCAGAAGCAGA-C. GRCh37 (hg19) VCF-style: chr11-2606475-CAGCAGAAGCAGA-C.
Other names: c.797_808del, p.Gln266_Gln269del (NM_001406837.1); c.686_697del, p.Gln229_Gln232del (NM_181798.2); c.1032+1701_1032+1712del (NM_001406836.1); c.588+1701_588+1712del (NM_001406838.1).
Identifiers: ClinVar variation 3075080 (VCV003075080.1), dbSNP rs2493700777, ClinGen allele CA2825001868.